The following is an entry in ClinVar:

NM_005475.3(SH2B3):c.563C>G (p.Ala188Gly)

Gene: SH2B3 (SH2B adaptor protein 3; plus strand). Cytogenetic location: 12q24.12.
Variant type: single nucleotide variant.
Coding change: c.563C>G on transcript NM_005475.3 (MANE Select); coding-DNA position 563, C replaced by G.
Protein change: p.Ala188Gly; replaces alanine 188 with glycine.
Molecular consequence: missense variant.
Genome position (GRCh38, 1-based): chr12:111,418,708, C>G. VCF-style: chr12-111418708-C-G. GRCh37 (hg19) VCF-style: chr12-111856512-C-G.
Other names: short protein forms A188G.
Identifiers: ClinVar variation 4163908 (VCV004163908.1).
Genomic context (GRCh38, chr12:111,418,708, plus strand): 5'-AGGCTGCTGAGACCCCCGCCCGGCCTGGCCTGGCCAAGAAGTTCCTGCCCTGGAGCCTGG[C>G]CCGGGAGCCGCCACCCGAGGCGCTGAAGGAGGCGGTGCTGCGCTACAGCCTGGCCGACGA-3'
Protein context (NP_005466.1, residues 178-198): LAKKFLPWSL[Ala188Gly]REPPPEALKE

ClinVar aggregate classification (germline): Uncertain significance (1 of 4 stars; one submission).

Conditions:
Inborn genetic diseases. Identifiers: MedGen C0950123, MeSH D030342.

Submission:

Ambry Genetics
Classification: Uncertain significance for Inborn genetic diseases. Last evaluated: 2025-06-24. Review status: criteria provided, single submitter. Criteria: Ambry Variant Classification Scheme 2023. Collection method: clinical testing. Allele origin: germline.
Comment: The p.A188G variant (also known as c.563C>G), located in coding exon 1 of the SH2B3 gene, results from a C to G substitution at nucleotide position 563. The alanine at codon 188 is replaced by glycine, an amino acid with similar properties. This amino acid position is conserved. In addition, this alteration is predicted to be tolerated by in silico analysis. Based on the available evidence, the clinical significance of this variant remains unclear.